The following is an entry in ClinVar:

NM_004630.4(SF1):c.1360dup (p.Thr454fs)

Gene: SF1 (splicing factor 1; minus strand). Cytogenetic location: 11q13.1.
Variant type: Duplication.
Coding change: c.1360dup on transcript NM_004630.4 (MANE Select); coding-DNA position 1360, one base duplicated (A; older notation c.1360dupA).
Protein change: p.Thr454fs; shifts the reading frame from threonine 454.
Molecular consequence: frameshift variant. On other transcripts: nonsense (10).
Genome position (GRCh38, 1-based): chr11:64,767,234, T duplicated on the plus strand (A on the coding strand, the reverse complement: SF1 is on the minus strand). VCF-style (leftmost placement, unchanged base first): chr11-64767233-G-GT. GRCh37 (hg19) VCF-style: chr11-64534705-G-GT.
Other names: c.1360dup, p.Thr454fs (NM_201995.3, NM_201998.3); c.1364dup, p.Tyr455Ter (NM_201997.3, NM_001440582.1); c.1735dup, p.Thr579fs (NM_001178030.2, NM_001378956.1, NM_001378957.1); c.1282dup, p.Thr428fs (NM_001178031.3); c.1355dup, p.Tyr452Ter (NM_001346363.2, NM_001346364.2, NM_001440583.1); c.1015dup, p.Thr339fs (NM_001346409.2); c.1019dup, p.Tyr340Ter (NM_001346410.2); c.1739dup, p.Tyr580Ter (NM_001440580.1); and 3 more; short protein forms T339fs, T428fs, T454fs, T579fs, Y340*, Y426*, Y429*, Y452*.
Identifiers: ClinVar variation 4282452 (VCV004282452.1).

ClinVar aggregate classification (germline): Uncertain significance (1 of 4 stars; one submission).

Submission:

GeneDx
Classification: Uncertain significance. Last evaluated: 2023-11-27. Review status: criteria provided, single submitter. Criteria: GeneDx Variant Classification Process June 2021. Collection method: clinical testing. Allele origin: germline. Affected: yes.
Comment: Not observed at significant frequency in large population cohorts (gnomAD); Variants in candidate genes are classified as variants of uncertain significance in accordance with ACMG guidelines (PMID: 25741868); Frameshift variant predicted to result in abnormal protein length as the last 186 amino acids are replaced with 157 different amino acids in a gene for which loss-of-function is not an established mechanism of disease